The following is an entry in ClinVar:

NM_004415.4(DSP):c.4535A>G (p.Tyr1512Cys)

Gene: DSP (desmoplakin; plus strand). Cytogenetic location: 6p24.3.
Variant type: single nucleotide variant.
Coding change: c.4535A>G on transcript NM_004415.4 (MANE Select); coding-DNA position 4535, A replaced by G.
Protein change: p.Tyr1512Cys; replaces tyrosine 1512 with cysteine.
Molecular consequence: missense variant. On other transcripts: intron variant (2).
Genome position (GRCh38, 1-based): chr6:7,580,725, A>G. VCF-style: chr6-7580725-A-G. GRCh37 (hg19) VCF-style: chr6-7580958-A-G.
Other names: c.4050+485A>G (NM_001319034.2); c.3582+953A>G (NM_001008844.3); short protein forms Y1512C.
Identifiers: ClinVar variation 44915 (VCV000044915.53), dbSNP rs2076299, ClinGen allele CA004536.

ClinVar aggregate classification (germline): Benign. Review status: criteria provided, multiple submitters, no conflicts (2 of 4 stars). 21 submissions from 19 submitters: Benign (14). 7 of the submissions do not count toward it. Last evaluated 2026-02-04.

Conditions:
Cardiovascular phenotype. Identifiers: MedGen CN230736.
Arrhythmogenic right ventricular dysplasia 8 (ARVD8). Also called: ARRHYTHMOGENIC RIGHT VENTRICULAR DYSPLASIA, FAMILIAL, 8; ARRHYTHMOGENIC RIGHT VENTRICULAR CARDIOMYOPATHY 8; Arrhythmogenic Right Ventricular Dysplasia/Cardiomyopathy 8. Identifiers: MedGen C1843896, MONDO:0011831, OMIM 607450.
Arrhythmogenic cardiomyopathy with wooly hair and keratoderma. Also called: Dilated cardiomyopathy with woolly hair and keratoderma; Arrhythmogenic cardiomyopathy with woolly hair and keratoderma; PALMOPLANTAR KERATODERMA WITH LEFT VENTRICULAR CARDIOMYOPATHY AND WOOLLY HAIR; Carvajal syndrome. Identifiers: Orphanet 65282, MedGen C1854063, MONDO:0011581, OMIM 605676.
Cardiomyopathy (CMYO). Also called: Cardiomyopathies. Identifiers: Orphanet 167848, MedGen C0878544, MONDO:0004994, HP:0001638. Inheritance: Various modes of inheritance.
Lethal acantholytic epidermolysis bullosa (EBLA). Identifiers: Orphanet 158687, MedGen C1864826, MONDO:0012323, OMIM 609638.
Woolly hair-skin fragility syndrome (WHSF). Identifiers: Orphanet 293165, MedGen C1843292, MONDO:0957307, OMIM 620415.

Allele frequency attached by ClinVar (database versions not stated): gnomAD exomes 0.06573 and 0.11827; ExAC 0.11560; ESP Exome Variant Server 0.12094; gnomAD 0.13777 and 0.13860; TOPMed 0.15176; 1000 Genomes Project 0.20327; 1000 Genomes Project 30x 0.20581.
gnomAD v4.1: 118,545 of 1,613,944 alleles (7.3%); highest among the groups gnomAD compares: African/African-American, 29%; 8,976 homozygotes.

Submissions (21):

Labcorp Genetics (formerly Invitae), Labcorp
Classification: Benign for Arrhythmogenic cardiomyopathy with wooly hair and keratoderma; Arrhythmogenic right ventricular dysplasia 8. Last evaluated: 2026-02-04. Review status: criteria provided, single submitter. Criteria: Invitae Variant Classification Sherloc (09022015). Collection method: clinical testing. Allele origin: germline.

ARUP Laboratories, Molecular Genetics and Genomics, ARUP Laboratories
Classification: Benign. Last evaluated: 2025-07-08. Review status: criteria provided, single submitter. Criteria: ARUP Molecular Germline Variant Investigation Process 2024. Collection method: clinical testing. Allele origin: germline.

Molecular Diagnostic Laboratory for Inherited Cardiovascular Disease, Montreal Heart Institute
Classification: Benign. Last evaluated: 2025-02-17. Review status: criteria provided, single submitter. Criteria: ACMG Guidelines, 2015. Collection method: clinical testing. Allele origin: germline. Affected: no.

Blueprint Genetics
Classification: Benign. Last evaluated: 2024-11-27. Review status: criteria provided, single submitter. Criteria: ACMG Guidelines, 2015. Collection method: clinical testing. Allele origin: germline.

Color Diagnostics, LLC DBA Color Health
Classification: Benign for Cardiomyopathy. Last evaluated: 2018-03-07. Review status: criteria provided, single submitter. Criteria: ACMG Guidelines, 2015. Collection method: clinical testing. Allele origin: germline.

Illumina Laboratory Services, Illumina
Classification: Benign for Lethal acantholytic epidermolysis bullosa. Last evaluated: 2018-01-13. Review status: criteria provided, single submitter. Criteria: ICSL Variant Classification Criteria 13 December 2019. Collection method: clinical testing. Allele origin: germline.
Comment: This variant was observed in the ICSL laboratory as part of a predisposition screen in an ostensibly healthy population. It had not been previously curated by ICSL or reported in the Human Gene Mutation Database (HGMD: prior to June 1st, 2018), and was therefore a candidate for classification through an automated scoring system. Utilizing variant allele frequency, disease prevalence and penetrance estimates, and inheritance mode, an automated score was calculated to assess if this variant is too frequent to cause the disease. Based on the score and internal cut-off values, a variant classified as benign is not then subjected to further curation. The score for this variant resulted in a classification of benign for this disease.

Illumina Laboratory Services, Illumina
Classification: Benign for Arrhythmogenic cardiomyopathy with wooly hair and keratoderma. Last evaluated: 2018-01-13. Review status: criteria provided, single submitter. Criteria: ICSL Variant Classification Criteria 13 December 2019. Collection method: clinical testing. Allele origin: germline.
Comment: the same text as in the submission from Illumina Laboratory Services, Illumina above.

Illumina Laboratory Services, Illumina
Classification: Benign for Arrhythmogenic right ventricular dysplasia 8. Last evaluated: 2018-01-13. Review status: criteria provided, single submitter. Criteria: ICSL Variant Classification Criteria 13 December 2019. Collection method: clinical testing. Allele origin: germline.
Comment: the same text as in the submission from Illumina Laboratory Services, Illumina above.

Ambry Genetics
Classification: Benign for Cardiovascular phenotype. Last evaluated: 2015-03-11. Review status: criteria provided, single submitter. Criteria: Ambry Variant Classification Scheme 2023. Collection method: clinical testing. Allele origin: germline.

GeneDx
Classification: Benign. Last evaluated: 2015-03-03. Review status: criteria provided, single submitter. Criteria: GeneDx Variant Classification Process June 2021. Collection method: clinical testing. Allele origin: germline. Affected: yes.
Comment: This variant is associated with the following publications: (PMID: 27153395, 25445213, 19863551)

Mayo Clinic Laboratories, Mayo Clinic
Classification: Benign. Last evaluated: 2014-05-08. Review status: criteria provided, single submitter. Criteria: ACMG Guidelines, 2015. Collection method: clinical testing. Allele origin: germline. Observed: 265 variant alleles.

Biesecker Lab/Clinical Genomics Section, National Institutes of Health
Classification: Benign. Last evaluated: 2013-06-24. Review status: criteria provided, single submitter. Criteria: Ng et al. (Circ Cardiovasc Genet. 2013). Collection method: research. Allele origin: unknown. Observed: 116 variant alleles. Study: ClinSeq.
Comment: The study set was not selected for affection status in relation to any cancer. Pathogenicity categories were based on literature curation. See Pubmed ID:23861362 for details.

Medical sequencing

Laboratory for Molecular Medicine, Mass General Brigham Personalized Medicine
Classification: Benign. Last evaluated: 2012-05-03. Review status: criteria provided, single submitter. Criteria: LMM Criteria. Collection method: clinical testing. Allele origin: germline. Observed: 392 variant alleles.
Comment: Tyr1512Cys in exon 23 of DSP: This variant is not expected to have clinical sign ificance because it has been identified in 26% (983/3738) of African American ch romosomes from a broad population by the NHLBI Exome Sequencing Project. Tyr1512Cys in exon 23 of DSP (rs2076299; allele frequency = 26%, 983/3738) **

PreventionGenetics, part of Exact Sciences
Classification: Benign. Review status: criteria provided, single submitter. Criteria: ACMG Guidelines, 2015. Collection method: clinical testing. Allele origin: germline.

Cohesion Phenomics
Classification: Benign for Cardiomyopathy. Last evaluated: 2022-09-23. Review status: no assertion criteria provided. Criteria: ACMG Guidelines, 2015. Collection method: clinical testing. Allele origin: germline. Affected: yes. Not counted in ClinVar's aggregate classification.

Clinical Genetics DNA and cytogenetics Diagnostics Lab, Erasmus MC, Erasmus Medical Center
Classification: Benign. Review status: no assertion criteria provided. Collection method: clinical testing. Allele origin: germline. Affected: yes. Study: VKGL Data-share Consensus. Not counted in ClinVar's aggregate classification.

Clinical Genetics, Academic Medical Center
Classification: Benign. Review status: no assertion criteria provided. Collection method: clinical testing. Allele origin: germline. Affected: yes. Study: VKGL Data-share Consensus. Not counted in ClinVar's aggregate classification.

Department of Pathology and Laboratory Medicine, Sinai Health System
Classification: Uncertain significance. Review status: no assertion criteria provided. Collection method: clinical testing. Allele origin: unknown. Affected: yes. Study: The Canadian Open Genetics Repository (COGR). Not counted in ClinVar's aggregate classification.
Comment: multiple AR variants in same gene - keep for nowAllele frequency is common in at least one population database (frequency: 29.544% in ExAC) based on the frequency threshold of 0.5% for this gene.Variant was observed in a homozygous state in population databases more than expected for disease.10 reputable source/s reports the variant as benign, but the evidence is not available to the laboratory to perform an independent evaluation.

Diagnostic Laboratory, Department of Genetics, University Medical Center Groningen
Classification: Benign. Review status: no assertion criteria provided. Collection method: clinical testing. Allele origin: germline. Affected: yes. Study: VKGL Data-share Consensus. Not counted in ClinVar's aggregate classification.

Genome Diagnostics Laboratory, University Medical Center Utrecht
Classification: Benign. Review status: no assertion criteria provided. Collection method: clinical testing. Allele origin: germline. Affected: yes. Study: VKGL Data-share Consensus. Not counted in ClinVar's aggregate classification.

Joint Genome Diagnostic Labs from Nijmegen and Maastricht, Radboudumc and MUMC+
Classification: Benign. Review status: no assertion criteria provided. Collection method: clinical testing. Allele origin: germline. Affected: yes. Study: VKGL Data-share Consensus. Not counted in ClinVar's aggregate classification.